The following is an entry in ClinVar:

ClinVar aggregate classification (germline): Uncertain significance. Review status: criteria provided, multiple submitters, no conflicts (2 of 4 stars). 2 submissions from 2 submitters: Uncertain significance (2). Last evaluated 2024-03-08.

Conditions:
Pontocerebellar hypoplasia type 1B. Also called: EXOSC3 Pontocerebellar Hypoplasia. Identifiers: Orphanet 2254, MedGen C3553449, MONDO:0013853, OMIM 614678.

Allele frequency attached by ClinVar (database versions not stated): ExAC 0.00015; ESP Exome Variant Server 0.00016; gnomAD exomes 0.00020 and 0.00037; gnomAD 0.00021 and 0.00023; TOPMed 0.00030.

Submissions (2):

GeneDx
Classification: Uncertain significance. Last evaluated: 2024-03-08. Review status: criteria provided, single submitter. Criteria: GeneDx Variant Classification Process June 2021. Collection method: clinical testing. Allele origin: germline. Affected: yes.
Comment: In silico analysis supports that this missense variant has a deleterious effect on protein structure/function; In silico analysis suggests this variant may impact gene splicing. In the absence of RNA/functional studies, the actual effect of this sequence change is unknown.; Has not been previously published as pathogenic or benign to our knowledge

Labcorp Genetics (formerly Invitae), Labcorp
Classification: Uncertain significance for Pontocerebellar hypoplasia type 1B. Last evaluated: 2022-09-14. Review status: criteria provided, single submitter. Criteria: Invitae Variant Classification Sherloc (09022015). Collection method: clinical testing. Allele origin: germline.
Comment: This sequence change replaces arginine, which is basic and polar, with tryptophan, which is neutral and slightly polar, at codon 108 of the EXOSC3 protein (p.Arg108Trp). This variant is present in population databases (rs201178873, gnomAD 0.04%). This variant has not been reported in the literature in individuals affected with EXOSC3-related conditions. ClinVar contains an entry for this variant (Variation ID: 1309313). Algorithms developed to predict the effect of missense changes on protein structure and function (SIFT, PolyPhen-2, Align-GVGD) all suggest that this variant is likely to be disruptive. Algorithms developed to predict the effect of sequence changes on RNA splicing suggest that this variant may create or strengthen a splice site. In summary, the available evidence is currently insufficient to determine the role of this variant in disease. Therefore, it has been classified as a Variant of Uncertain Significance.

NM_016042.4(EXOSC3):c.322C>T (p.Arg108Trp)

Gene: EXOSC3 (exosome component 3; minus strand). Cytogenetic location: 9p13.2.
Variant type: single nucleotide variant.
Coding change: c.322C>T on transcript NM_016042.4 (MANE Select); coding-DNA position 322, C replaced by T.
Protein change: p.Arg108Trp; replaces arginine 108 with tryptophan.
Molecular consequence: missense variant.
Genome position (GRCh38, 1-based): chr9:37,784,723, G>A on the plus strand (C>T on the coding strand, the complement: EXOSC3 is on the minus strand). VCF-style: chr9-37784723-G-A. GRCh37 (hg19) VCF-style: chr9-37784720-G-A.
Other names: c.322C>T, p.Arg108Trp (NM_001002269.2); short protein forms R108W.
Identifiers: ClinVar variation 1309313 (VCV001309313.8), dbSNP rs201178873, ClinGen allele CA5062803.